The following is an entry in ClinVar:

ClinVar aggregate classification (germline): Benign/Likely benign. Review status: criteria provided, multiple submitters, no conflicts (2 of 4 stars). 19 submissions from 12 submitters: Benign (12); Likely benign (5). 2 of the submissions do not count toward it. Last evaluated 2026-02-03.

Conditions:
Dilated cardiomyopathy 1G (CMD1G). Identifiers: Orphanet 154, MedGen C1858763, MONDO:0011400, OMIM 604145.
Autosomal recessive limb-girdle muscular dystrophy type 2J (LGMDR10). Also called: MUSCULAR DYSTROPHY, LIMB-GIRDLE, AUTOSOMAL RECESSIVE 10; Limb-girdle muscular dystrophy, type 2J. Identifiers: Orphanet 140922, MedGen C1837342, MONDO:0012127, OMIM 608807.
Early-onset myopathy with fatal cardiomyopathy (CMYO5). Also called: CONGENITAL MYOPATHY 5 WITH CARDIOMYOPATHY; Salih Myopathy. Identifiers: Orphanet 289377, MedGen C2673677, MONDO:0012714, OMIM 611705. Disease mechanism: loss of function.
Myopathy, myofibrillar, 9, with early respiratory failure (MFM9). Also called: Myopathy, distal, with early respiratory failure, autosomal dominant; Hereditary myopathy with early respiratory failure; MYOPATHY, PROXIMAL, WITH EARLY RESPIRATORY MUSCLE INVOLVEMENT; EDSTROM MYOPATHY. Identifiers: Orphanet 178464, Orphanet 34521, MedGen C1863599, MONDO:0011362, OMIM 603689.
Tibial muscular dystrophy (TMD). Also called: Udd Distal Myopathy – Tibial Muscular Dystrophy; Tibial muscular dystrophy, tardive; UDD MYOPATHY. Identifiers: Orphanet 609, MedGen C1838244, MONDO:0010870, OMIM 600334.

Allele frequency attached by ClinVar (database versions not stated): gnomAD 0.00165 and 0.00123; 1000 Genomes Project 0.00759; TOPMed 0.00208; ExAC 0.00499; 1000 Genomes Project 30x 0.00687; ESP Exome Variant Server 0.00025; gnomAD exomes 0.00354.
gnomAD v4.1: 2,164 of 1,604,506 alleles (0.13%); highest among the groups gnomAD compares: East Asian, 2.5%; 14 homozygotes.

Submissions (19):

Labcorp Genetics (formerly Invitae), Labcorp
Classification: Benign for Dilated cardiomyopathy 1G; Autosomal recessive limb-girdle muscular dystrophy type 2J. Last evaluated: 2026-02-03. Review status: criteria provided, single submitter. Criteria: Invitae Variant Classification Sherloc (09022015). Collection method: clinical testing. Allele origin: germline.

Blueprint Genetics
Classification: Likely benign. Last evaluated: 2024-11-06. Review status: criteria provided, single submitter. Criteria: ACMG Guidelines, 2015. Collection method: clinical testing. Allele origin: germline.

ARUP Laboratories, Molecular Genetics and Genomics, ARUP Laboratories
Classification: Benign. Last evaluated: 2023-09-20. Review status: criteria provided, single submitter. Criteria: ARUP Molecular Germline Variant Investigation Process 2024. Collection method: clinical testing. Allele origin: germline.

Genome-Nilou Lab
Classification: Benign for Autosomal recessive limb-girdle muscular dystrophy type 2J. Last evaluated: 2021-09-10. Review status: criteria provided, single submitter. Criteria: ACMG Guidelines, 2015. Collection method: clinical testing. Allele origin: germline. Affected: no.

Genome-Nilou Lab
Classification: Benign for Myopathy, myofibrillar, 9, with early respiratory failure. Last evaluated: 2021-09-10. Review status: criteria provided, single submitter. Criteria: ACMG Guidelines, 2015. Collection method: clinical testing. Allele origin: germline. Affected: no.

Genome-Nilou Lab
Classification: Benign for Early-onset myopathy with fatal cardiomyopathy. Last evaluated: 2021-09-10. Review status: criteria provided, single submitter. Criteria: ACMG Guidelines, 2015. Collection method: clinical testing. Allele origin: germline. Affected: no.

Genome-Nilou Lab
Classification: Benign for Tibial muscular dystrophy. Last evaluated: 2021-09-10. Review status: criteria provided, single submitter. Criteria: ACMG Guidelines, 2015. Collection method: clinical testing. Allele origin: germline. Affected: no.

Women's Health and Genetics/Laboratory Corporation of America, LabCorp
Classification: Benign. Last evaluated: 2020-06-29. Review status: criteria provided, single submitter. Criteria: LabCorp Variant Classification Summary - May 2015. Collection method: clinical testing. Allele origin: germline.

Illumina Laboratory Services, Illumina
Classification: Likely benign for Autosomal recessive limb-girdle muscular dystrophy type 2J. Last evaluated: 2018-01-12. Review status: criteria provided, single submitter. Criteria: ICSL Variant Classification Criteria 13 December 2019. Collection method: clinical testing. Allele origin: germline.
Comment: This variant was observed in the ICSL laboratory as part of a predisposition screen in an ostensibly healthy population. It had not been previously curated by ICSL or reported in the Human Gene Mutation Database (HGMD: prior to June 1st, 2018), and was therefore a candidate for classification through an automated scoring system. Utilizing variant allele frequency, disease prevalence and penetrance estimates, and inheritance mode, an automated score was calculated to assess if this variant is too frequent to cause the disease. Based on the score and internal cut-off values, a variant classified as likely benign is not then subjected to further curation. The score for this variant resulted in a classification of likely benign for this disease.

Illumina Laboratory Services, Illumina
Classification: Likely benign for Early-onset myopathy with fatal cardiomyopathy. Last evaluated: 2018-01-12. Review status: criteria provided, single submitter. Criteria: ICSL Variant Classification Criteria 13 December 2019. Collection method: clinical testing. Allele origin: germline.
Comment: the same text as in the submission from Illumina Laboratory Services, Illumina above.

Illumina Laboratory Services, Illumina
Classification: Benign for Myopathy, myofibrillar, 9, with early respiratory failure. Last evaluated: 2018-01-12. Review status: criteria provided, single submitter. Criteria: ICSL Variant Classification Criteria 13 December 2019. Collection method: clinical testing. Allele origin: germline.
Comment: This variant was observed in the ICSL laboratory as part of a predisposition screen in an ostensibly healthy population. It had not been previously curated by ICSL or reported in the Human Gene Mutation Database (HGMD: prior to June 1st, 2018), and was therefore a candidate for classification through an automated scoring system. Utilizing variant allele frequency, disease prevalence and penetrance estimates, and inheritance mode, an automated score was calculated to assess if this variant is too frequent to cause the disease. Based on the score and internal cut-off values, a variant classified as benign is not then subjected to further curation. The score for this variant resulted in a classification of benign for this disease.

Illumina Laboratory Services, Illumina
Classification: Benign for Tibial muscular dystrophy. Last evaluated: 2018-01-12. Review status: criteria provided, single submitter. Criteria: ICSL Variant Classification Criteria 13 December 2019. Collection method: clinical testing. Allele origin: germline.
Comment: the same text as in the submission from Illumina Laboratory Services, Illumina above.

Illumina Laboratory Services, Illumina
Classification: Likely benign for Dilated cardiomyopathy 1G. Last evaluated: 2018-01-12. Review status: criteria provided, single submitter. Criteria: ICSL Variant Classification Criteria 13 December 2019. Collection method: clinical testing. Allele origin: germline.
Comment: the same text as in the submission from Illumina Laboratory Services, Illumina above.

GeneDx
Classification: Benign. Last evaluated: 2013-04-29. Review status: criteria provided, single submitter. Criteria: GeneDx Variant Classification (06012015). Collection method: clinical testing. Allele origin: germline. Affected: yes.
Comment: This variant is considered likely benign or benign based on one or more of the following criteria: it is a conservative change, it occurs at a poorly conserved position in the protein, it is predicted to be benign by multiple in silico algorithms, and/or has population frequency not consistent with disease.

Laboratory for Molecular Medicine, Mass General Brigham Personalized Medicine
Classification: Benign. Last evaluated: 2012-04-24. Review status: criteria provided, single submitter. Criteria: LMM Criteria. Collection method: clinical testing. Allele origin: germline. Observed: 4 variant alleles.
Comment: 30634+12C>A in Intron 144 of TTN: This variant is not expected to have clinical significance because it is not located within the splice consensus sequence and has been identified in 0.6% (14/2000) of chromosomes from a broad population by the 1000 Genomes Project (dbSNP rs74930148). 30634+12C>A in Intron 144 of TTN (allele frequency = 0.6%, 14/2000)

Breakthrough Genomics
Classification: Likely benign. Review status: criteria provided, single submitter. Criteria: ACMG Guidelines, 2015. Collection method: not provided. Allele origin: germline. Inheritance: Autosomal recessive inheritance. Affected: yes.

PreventionGenetics, part of Exact Sciences
Classification: Benign. Review status: criteria provided, single submitter. Criteria: ACMG Guidelines, 2015. Collection method: clinical testing. Allele origin: germline.

Clinical Genetics DNA and cytogenetics Diagnostics Lab, Erasmus MC, Erasmus Medical Center
Classification: Likely benign. Review status: no assertion criteria provided. Collection method: clinical testing. Allele origin: germline. Affected: yes. Study: VKGL Data-share Consensus. Not counted in ClinVar's aggregate classification.

Clinical Genetics, Academic Medical Center
Classification: Benign. Review status: no assertion criteria provided. Collection method: clinical testing. Allele origin: germline. Affected: yes. Study: VKGL Data-share Consensus. Not counted in ClinVar's aggregate classification.

NM_001267550.2(TTN):c.34453+12C>A

Gene: TTN (titin; minus strand). Cytogenetic location: 2q31.2.
Variant type: single nucleotide variant.
Coding change: c.34453+12C>A on transcript NM_001267550.2 (MANE Select); 12 bases into the intron after coding-DNA position 34453, C replaced by A.
Molecular consequence: intron variant.
Genome position (GRCh38, 1-based): chr2:178,675,909, G>T on the plus strand (C>A on the coding strand, the complement: TTN is on the minus strand). VCF-style: chr2-178675909-G-T. GRCh37 (hg19) VCF-style: chr2-179540636-G-T.
Other names: c.13283-33592C>A (NM_003319.4); c.13859-33592C>A (NM_133437.4); c.13658-33592C>A (NM_133432.3); c.30634+12C>A (NM_133378.4); c.33415+12C>A (NM_001256850.1).
Identifiers: ClinVar variation 46902 (VCV000046902.34), dbSNP rs74930148, ClinGen allele CA283164.
Genomic context (GRCh38, chr2:178,675,909, plus strand): 5'-AACAGGACATTTTGACTTTTATAGGAGAAGGAAGGAAATGGCATAGTCTAATTTACTTCG[G>T]AATAGCAATACCTTTGGCAGGGGGAGCCTCCTCTTTCTTGGGAATGACCACTTTCTTCTC-3'